The following is an entry in ClinVar:

NM_020166.5(MCCC1):c.623G>A (p.Arg208Gln)

Gene: MCCC1 (methylcrotonyl-CoA carboxylase subunit 1; minus strand). Cytogenetic location: 3q27.1.
Variant type: single nucleotide variant.
Coding change: c.623G>A on transcript NM_020166.5 (MANE Select); coding-DNA position 623, G replaced by A.
Protein change: p.Arg208Gln; replaces arginine 208 with glutamine.
Molecular consequence: missense variant. On other transcripts: non-coding transcript variant (2).
Genome position (GRCh38, 1-based): chr3:183,071,226, C>T on the plus strand (G>A on the coding strand, the complement: MCCC1 is on the minus strand). VCF-style: chr3-183071226-C-T. GRCh37 (hg19) VCF-style: chr3-182789014-C-T.
Other names: c.272G>A, p.Arg91Gln (NM_001293273.2); c.296G>A, p.Arg99Gln (NM_001363880.1); short protein forms R208Q, R91Q, R99Q.
Identifiers: ClinVar variation 344314 (VCV000344314.8), dbSNP rs780352053, ClinGen allele CA10618149.
Genomic context (GRCh38, chr3:183,071,226, plus strand): 5'-GAAGACAAGCCTGAATTGGCAAACACAAGCATGCACAATCTTACTTTTCCTCCTCCACCC[C>T]GGACGGCTTTAATCATGACAGGATAGCCAATTCTCCTGGCGTGTTCCTTCAGGCACTGGT-3'
Protein context (NP_064551.3, residues 198-218): IGYPVMIKAV[Arg208Gln]GGGGKGMRIV

ClinVar aggregate classification (germline): Uncertain significance. Review status: criteria provided, multiple submitters, no conflicts (2 of 4 stars). 2 submissions from 2 submitters: Uncertain significance (2). Last evaluated 2022-09-30.

Conditions:
3-methylcrotonyl-CoA carboxylase 1 deficiency (MCC1D). Also called: MCCD TYPE 1; METHYLCROTONYLGLYCINURIA TYPE I; MCC 1 deficiency; 3 Alpha methylcrotonylglycinuria 1. Identifiers: Orphanet 6, MedGen CN028786, MONDO:0008861, OMIM 210200.
Inborn genetic diseases. Identifiers: MedGen C0950123, MeSH D030342.

Allele frequency attached by ClinVar (database versions not stated): gnomAD exomes 0.00001 and 0.00002; gnomAD 0.00004; TOPMed 0.00004.
gnomAD v4.1: 28 of 1,614,196 alleles (0.0017%); highest among the groups gnomAD compares: Admixed American, 0.005%; no homozygotes.

Submissions (2):

Labcorp Genetics (formerly Invitae), Labcorp
Classification: Uncertain significance for 3-methylcrotonyl-CoA carboxylase 1 deficiency. Last evaluated: 2022-09-30. Review status: criteria provided, single submitter. Criteria: Invitae Variant Classification Sherloc (09022015). Collection method: clinical testing. Allele origin: germline.
Comment: This sequence change replaces arginine, which is basic and polar, with glutamine, which is neutral and polar, at codon 208 of the MCCC1 protein (p.Arg208Gln). This variant is present in population databases (rs780352053, gnomAD 0.004%). This variant has not been reported in the literature in individuals affected with MCCC1-related conditions. ClinVar contains an entry for this variant (Variation ID: 344314). Advanced modeling of protein sequence and biophysical properties (such as structural, functional, and spatial information, amino acid conservation, physicochemical variation, residue mobility, and thermodynamic stability) has been performed at Invitae for this missense variant, however the output from this modeling did not meet the statistical confidence thresholds required to predict the impact of this variant on MCCC1 protein function. In summary, the available evidence is currently insufficient to determine the role of this variant in disease. Therefore, it has been classified as a Variant of Uncertain Significance.

Ambry Genetics
Classification: Uncertain significance for Inborn genetic diseases. Last evaluated: 2022-05-18. Review status: criteria provided, single submitter. Criteria: Ambry Variant Classification Scheme 2023. Collection method: clinical testing. Allele origin: germline.